The following is an entry in ClinVar:

ClinVar aggregate classification (germline): Pathogenic/Likely pathogenic. Review status: criteria provided, multiple submitters, no conflicts (2 of 4 stars). 13 submissions from 13 submitters: Pathogenic (10); Likely pathogenic (1). 2 of the submissions do not count toward it. Last evaluated 2025-10-28.

Conditions:
MYO7A-related disorder. Also called: MYO7A-related disorders.
Rare genetic deafness. Identifiers: Orphanet 96210, MedGen C5680250.
Usher syndrome. Also called: Usher Syndromes; Usher's syndrome. Identifiers: Orphanet 886, MedGen CN469326, MeSH D052245, MONDO:0019501. Disease mechanism: loss of function.
Retinal dystrophy. Also called: Inherited retinal dystrophy. Identifiers: Orphanet 71862, MedGen C0854723, MeSH D058499, MONDO:0019118, HP:0000556.
Autosomal dominant nonsyndromic hearing loss 11. Identifiers: Orphanet 90635, MedGen C1832475, MONDO:0011032, OMIM 601317.
Usher syndrome type 1 (USH1). Also called: RETINITIS PIGMENTOSA AND CONGENITAL DEAFNESS. Identifiers: Orphanet 231169, Orphanet 886, MedGen C1568247, MONDO:0010168, OMIM 276900.
Autosomal recessive nonsyndromic hearing loss 2. Also called: DEAFNESS, AUTOSOMAL RECESSIVE 2; NEUROSENSORY NONSYNDROMIC RECESSIVE DEAFNESS 2. Identifiers: Orphanet 90636, MedGen C1838701, MONDO:0010807, OMIM 600060.
Usher syndrome type 1B (USH1B). Also called: Usher syndrome type IB. Identifiers: MedGen C1848638, MONDO:0700087.

Allele frequency attached by ClinVar (database versions not stated): TOPMed below 0.00001; gnomAD exomes 0.00001 and 0.00002; gnomAD 0.00001.
gnomAD v4.1: 26 of 1,613,900 alleles (0.0016%); highest among the groups gnomAD compares: Non-Finnish European, 0.002%; no homozygotes.

Submissions (13):

Natera, Inc.
Classification: Pathogenic for Usher syndrome type 1B. Last evaluated: 2025-10-28. Review status: criteria provided, single submitter. Criteria: Natera Variant Classification Schema (03/2026). Collection method: clinical testing. Allele origin: germline.
Comment: The c.640G>A variant in MYO7A is a missense variant predicted to cause substitution of glycine to arginine at amino acid 214. This variant is rare in the general population with a frequency below the threshold expected for the associated phenotype(s). This variant has been observed in one or more individuals affected with the associated recessive disease, as either homozygous or compound heterozygous with a second variant (PMID: 18181211, 31479088, 26969326, 16470552). Computational prediction algorithms indicate this variant is likely to affect gene or protein function. Given the available evidence, this variant is classified as Pathogenic.

PreventionGenetics, part of Exact Sciences
Classification: Pathogenic for MYO7A-related condition. Last evaluated: 2025-02-28. Review status: criteria provided, single submitter. Criteria: ACMG Guidelines, 2015. Collection method: clinical testing. Allele origin: germline.
Comment: The MYO7A c.640G>A variant is predicted to result in the amino acid substitution p.Gly214Arg. This variant has been reported in the homozygous and compound heterozygous states in individuals with autosomal recessive Usher syndrome type and non-syndromic hearing loss (Adato et al. 1997. PubMed ID: 9382091; Khalaileh et al. 2018. PubMed ID: 29490346; Le Quesne Stabej et al. 2011. PubMed ID: 22135276; Jaijo et al. 2009. PubMed ID: 19683999; Sloan-Heggen et al. 2016. PubMed ID: 26969326; Riazuddin et al. 2008. PubMed ID: 18181211). This variant is reported in 0.0056% of alleles in individuals of East Asian descent in gnomAD. This variant is interpreted as pathogenic.

GeneDx
Classification: Pathogenic. Last evaluated: 2024-06-05. Review status: criteria provided, single submitter. Criteria: GeneDx Variant Classification Process June 2021. Collection method: clinical testing. Allele origin: germline. Affected: yes.
Comment: In silico analysis supports that this missense variant has a deleterious effect on protein structure/function; This variant is associated with the following publications: (PMID: 9382091, 29490346, 31456290, 31589614, 34948090, 23451239, 31479088, 24199935, 31964843, 26969326, 16470552, 22135276, 21436283, 25468891, 20497194, 33671976, 28944237, 18181211, 26186295, 10930322, 10704189, 33576163, 37811145, 19683999)

Labcorp Genetics (formerly Invitae), Labcorp
Classification: Pathogenic. Last evaluated: 2024-03-03. Review status: criteria provided, single submitter. Criteria: Invitae Variant Classification Sherloc (09022015). Collection method: clinical testing. Allele origin: germline.
Comment: This sequence change replaces glycine, which is neutral and non-polar, with arginine, which is basic and polar, at codon 214 of the MYO7A protein (p.Gly214Arg). This variant is present in population databases (rs111033283, gnomAD 0.006%). This missense change has been observed in individual(s) with Usher syndrome (PMID: 9382091, 16470552, 20497194, 24199935, 26969326). In at least one individual the data is consistent with being in trans (on the opposite chromosome) from a pathogenic variant. ClinVar contains an entry for this variant (Variation ID: 43327). Advanced modeling of protein sequence and biophysical properties (such as structural, functional, and spatial information, amino acid conservation, physicochemical variation, residue mobility, and thermodynamic stability) performed at Invitae indicates that this missense variant is expected to disrupt MYO7A protein function with a positive predictive value of 95%. For these reasons, this variant has been classified as Pathogenic.

SN ONGC Dept of Genetics and Molecular biology Vision Research Foundation
Classification: Pathogenic for Usher syndrome. Last evaluated: 2022-12-31. Review status: criteria provided, single submitter. Criteria: ACMG Guidelines, 2015. Collection method: research. Allele origin: biparental. Affected: yes. Observed: 2 variant alleles, 2 homozygotes.

Blueprint Genetics
Classification: Pathogenic for MYO7A-related disorders. Last evaluated: 2021-09-14. Review status: criteria provided, single submitter. Criteria: ACMG Guidelines, 2015. Collection method: clinical testing. Allele origin: germline. Affected: yes. Observed: 5 variant alleles.

Fulgent Genetics
Classification: Pathogenic for Usher syndrome type 1; Autosomal recessive nonsyndromic hearing loss 2; Autosomal dominant nonsyndromic hearing loss 11. Last evaluated: 2021-07-29. Review status: criteria provided, single submitter. Criteria: ACMG Guidelines, 2015. Collection method: clinical testing. Allele origin: unknown.

Laboratory for Molecular Medicine, Mass General Brigham Personalized Medicine
Classification: Pathogenic for Rare genetic deafness. Last evaluated: 2016-08-23. Review status: criteria provided, single submitter. Criteria: LMM Criteria. Collection method: clinical testing. Allele origin: germline. Inheritance: Autosomal recessive inheritance. Observed: 6 variant alleles.
Comment: The p.Gly214Arg variant in MYO7A has been reported in over 10 probands with Ushe r syndrome who were either homozygous for the variant or compound heterozygous w ith a second pathogenic or likely pathogenic variant in MYO7A (Adato 1997, Apari si 2013, Bujakowska 2014, Jaijo 2011, Jaijo 2009, Jaijo 2006, Le Quesne Stabej 2 012, Riazuddin 2008, Roux 2011, LMM data). It has not been identified in large p opulation studies. Computational prediction tools and conservation analyses sugg est that this variant may impact the protein. In summary, this variant meets our criteria to be classified as pathogenic for Usher syndrome in an autosomal rece ssive manner based on its presence in homozygosity or compound heterozygosity wi th a second pathogenic allele in many individuals with Usher syndrome, and low f requency in the general population.

Eurofins Ntd Llc (ga)
Classification: Pathogenic. Last evaluated: 2014-10-21. Review status: criteria provided, single submitter. Criteria: EGL Classification Definitions 2015. Collection method: clinical testing. Allele origin: germline. Observed: 1 variant allele, 1 heterozygote.

Institute of Human Genetics, Univ. Regensburg, Univ. Regensburg
Classification: Likely pathogenic for Retinal dystrophy. Last evaluated: 2012-01-01. Review status: criteria provided, single submitter. Criteria: ACMG Guidelines, 2015. Collection method: clinical testing. Allele origin: germline. Affected: yes.

Kariminejad - Najmabadi Pathology & Genetics Center
Classification: Pathogenic for Usher syndrome type 1. Review status: criteria provided, single submitter. Criteria: ACMG Guidelines, 2015. Collection method: clinical testing. Allele origin: germline. Affected: no.

Sharon lab, Hadassah-Hebrew University Medical Center
Classification: Likely pathogenic for Usher syndrome type 1. Last evaluated: 2019-06-23. Review status: no assertion criteria provided. Collection method: research. Allele origin: inherited. Affected: yes. Not counted in ClinVar's aggregate classification.

Counsyl
Classification: Pathogenic for Autosomal recessive nonsyndromic hearing loss 2. Last evaluated: 2017-06-13. Review status: no assertion criteria provided. Collection method: clinical testing. Allele origin: unknown. Not counted in ClinVar's aggregate classification.

Literature cited by the submitters: PubMed 18181211 (cited by 4 submitters); PubMed 31479088 (cited by Natera, Inc. and Institute of Human Genetics, Univ. Regensburg, Univ. Regensburg); PubMed 26969326 (cited by 3 submitters); PubMed 16470552 (cited by 5 submitters); PubMed 9382091 (cited by 5 submitters); PubMed 20497194 (cited by 3 submitters); PubMed 24199935 (cited by Labcorp Genetics (formerly Invitae), Labcorp); PubMed 19683999 (cited by 3 submitters); PubMed 22135276 (cited by Laboratory for Molecular Medicine, Mass General Brigham Personalized Medicine and Counsyl); PubMed 23451239 (cited by 3 submitters); PubMed 21436283 (cited by Laboratory for Molecular Medicine, Mass General Brigham Personalized Medicine and Counsyl); PubMed 25468891 (cited by Laboratory for Molecular Medicine, Mass General Brigham Personalized Medicine and Counsyl); PubMed 29490346 (cited by Institute of Human Genetics, Univ. Regensburg, Univ. Regensburg); PubMed 31589614 (cited by Institute of Human Genetics, Univ. Regensburg, Univ. Regensburg); PubMed 31964843 (cited by Institute of Human Genetics, Univ. Regensburg, Univ. Regensburg); PubMed 31456290 (cited by Institute of Human Genetics, Univ. Regensburg, Univ. Regensburg); PubMed 33576163 (cited by Institute of Human Genetics, Univ. Regensburg, Univ. Regensburg); PubMed 34948090 (cited by Institute of Human Genetics, Univ. Regensburg, Univ. Regensburg).

NM_000260.4(MYO7A):c.640G>A (p.Gly214Arg)

Gene: MYO7A (myosin VIIA; plus strand). Cytogenetic location: 11q13.5.
Variant type: single nucleotide variant.
Coding change: c.640G>A on transcript NM_000260.4 (MANE Select); coding-DNA position 640, G replaced by A.
Protein change: p.Gly214Arg; replaces glycine 214 with arginine.
Molecular consequence: missense variant.
Genome position (GRCh38, 1-based): chr11:77,156,909, G>A. VCF-style: chr11-77156909-G-A. GRCh37 (hg19) VCF-style: chr11-76867955-G-A.
Other names: c.640G>A, p.Gly214Arg (NM_001127180.2); c.607G>A, p.Gly203Arg (NM_001369365.1); short protein forms G214R, G203R.
Identifiers: ClinVar variation 43327 (VCV000043327.54), dbSNP rs111033283, ClinGen allele CA278709.